The following is an entry in ClinVar:

NM_030662.4(MAP2K2):c.836T>C (p.Phe279Ser)

Gene: MAP2K2 (mitogen-activated protein kinase kinase 2; minus strand). Cytogenetic location: 19p13.3.
Variant type: single nucleotide variant.
Coding change: c.836T>C on transcript NM_030662.4 (MANE Select); coding-DNA position 836, T replaced by C.
Protein change: p.Phe279Ser; replaces phenylalanine 279 with serine.
Molecular consequence: missense variant.
Genome position (GRCh38, 1-based): chr19:4,099,284, A>G on the plus strand (T>C on the coding strand, the complement: MAP2K2 is on the minus strand). VCF-style: chr19-4099284-A-G. GRCh37 (hg19) VCF-style: chr19-4099282-A-G.
Other names: short protein forms F279S.
Identifiers: ClinVar variation 1471634 (VCV001471634.8), dbSNP rs2145049960, ClinGen allele CA403385501.

ClinVar aggregate classification (germline): Uncertain significance (1 of 4 stars; one submission).

Conditions:
RASopathy. Also called: Noonan spectrum disorder; rasopathies. Identifiers: Orphanet 536391, MedGen C5555857, MONDO:0021060.

Submission:

Labcorp Genetics (formerly Invitae), Labcorp
Classification: Uncertain significance for RASopathy. Last evaluated: 2024-08-19. Review status: criteria provided, single submitter. Criteria: Invitae Variant Classification Sherloc (09022015). Collection method: clinical testing. Allele origin: germline.
Comment: This sequence change replaces phenylalanine, which is neutral and non-polar, with serine, which is neutral and polar, at codon 279 of the MAP2K2 protein (p.Phe279Ser). This variant is not present in population databases (gnomAD no frequency). This variant has not been reported in the literature in individuals affected with MAP2K2-related conditions. ClinVar contains an entry for this variant (Variation ID: 1471634). Invitae Evidence Modeling incorporating data from in vitro experimental studies (Invitae) indicates that this missense variant is not expected to disrupt MAP2K2 function with a negative predictive value of 95%. In summary, the available evidence is currently insufficient to determine the role of this variant in disease. Therefore, it has been classified as a Variant of Uncertain Significance.